The following is an entry in ClinVar:

ClinVar aggregate classification (germline): Uncertain significance (1 of 4 stars; one submission).

Allele frequency attached by ClinVar (database versions not stated): gnomAD 0.00001; gnomAD exomes 0.00001 and 0.00002; TOPMed 0.00003.
gnomAD v4.1: 29 of 1,553,928 alleles (0.0019%); highest among the groups gnomAD compares: Non-Finnish European, 0.0023%; no homozygotes.

Submission:

Labcorp Genetics (formerly Invitae), Labcorp
Classification: Uncertain significance. Last evaluated: 2024-07-06. Review status: criteria provided, single submitter. Criteria: Invitae Variant Classification Sherloc (09022015). Collection method: clinical testing. Allele origin: germline.
Comment: This sequence change replaces alanine, which is neutral and non-polar, with valine, which is neutral and non-polar, at codon 24 of the MYH14 protein (p.Ala24Val). The frequency data for this variant in the population databases is considered unreliable, as metrics indicate poor data quality at this position in the gnomAD database. This variant has not been reported in the literature in individuals affected with MYH14-related conditions. This missense change has been observed in at least one individual who was not affected with MYH14-related conditions (Invitae). ClinVar contains an entry for this variant (Variation ID: 1376225). Advanced modeling of protein sequence and biophysical properties (such as structural, functional, and spatial information, amino acid conservation, physicochemical variation, residue mobility, and thermodynamic stability) performed at Invitae indicates that this missense variant is expected to disrupt MYH14 protein function with a positive predictive value of 80%. In summary, the available evidence is currently insufficient to determine the role of this variant in disease. Therefore, it has been classified as a Variant of Uncertain Significance.

NM_001145809.2(MYH14):c.71C>T (p.Ala24Val)

Gene: MYH14 (myosin heavy chain 14; plus strand). Cytogenetic location: 19q13.33.
Variant type: single nucleotide variant.
Coding change: c.71C>T on transcript NM_001145809.2 (MANE Select); coding-DNA position 71, C replaced by T.
Protein change: p.Ala24Val; replaces alanine 24 with valine.
Molecular consequence: missense variant.
Genome position (GRCh38, 1-based): chr19:50,210,436, C>T. VCF-style: chr19-50210436-C-T. GRCh37 (hg19) VCF-style: chr19-50713693-C-T.
Other names: c.71C>T, p.Ala24Val (NM_001077186.2, NM_024729.4); short protein forms A24V.
Identifiers: ClinVar variation 1376225 (VCV001376225.8), dbSNP rs751017391, ClinGen allele CA9592186.